The following is an entry in ClinVar:

ClinVar aggregate classification (germline): Uncertain significance (1 of 4 stars; one submission).

Conditions:
Cardiovascular phenotype. Identifiers: MedGen CN230736.

gnomAD v4.1: 2 of 1,612,138 alleles (0.00012%); highest among the groups gnomAD compares: Non-Finnish European, 0.00017%; no homozygotes.

Submission:

Ambry Genetics
Classification: Uncertain significance for Cardiovascular phenotype. Last evaluated: 2026-06-14. Review status: criteria provided, single submitter. Criteria: Ambry Variant Classification Scheme 2023. Collection method: clinical testing. Allele origin: germline.
Comment: The p.P4473S variant (also known as c.13417C>T), located in coding exon 92 of the RYR2 gene, results from a C to T substitution at nucleotide position 13417. The proline at codon 4473 is replaced by serine, an amino acid with similar properties. This amino acid position is conserved. In addition, this alteration is predicted to be tolerated by in silico analysis. Based on the available evidence, the clinical significance of this variant remains unclear.

NM_001035.3(RYR2):c.13417C>T (p.Pro4473Ser)

Gene: RYR2 (ryanodine receptor 2; plus strand). Cytogenetic location: 1q43.
Variant type: single nucleotide variant.
Coding change: c.13417C>T on transcript NM_001035.3 (MANE Select); coding-DNA position 13417, C replaced by T.
Protein change: p.Pro4473Ser; replaces proline 4473 with serine.
Molecular consequence: missense variant.
Genome position (GRCh38, 1-based): chr1:237,788,076, C>T. VCF-style: chr1-237788076-C-T. GRCh37 (hg19) VCF-style: chr1-237951376-C-T.
Other names: short protein forms P4473S.
Identifiers: ClinVar variation 4863738 (VCV004863738.1), dbSNP rs571824543.